The following is an entry in ClinVar:

NM_000497.4(CYP11B1):c.396-3T>C

Genes: CYP11B1 (cytochrome P450 family 11 subfamily B member 1; minus strand), LOC106799833 (CYP11B1 recombination region; plus strand). Cytogenetic location: 8q24.3.
Variant type: single nucleotide variant.
Coding change: c.396-3T>C on transcript NM_000497.4 (MANE Select); 3 bases into the intron before coding-DNA position 396, T replaced by C.
Molecular consequence: intron variant.
Genome position (GRCh38, 1-based): chr8:142,877,225, A>G on the plus strand (T>C on the coding strand, the complement: CYP11B1 is on the minus strand). VCF-style: chr8-142877225-A-G. GRCh37 (hg19) VCF-style: chr8-143958641-A-G.
Other names: c.396-3T>C (NM_001026213.1).
Identifiers: ClinVar variation 2195907 (VCV002195907.1), dbSNP rs754816754, ClinGen allele CA4905452.

ClinVar aggregate classification (germline): Uncertain significance (1 of 4 stars; one submission).

Allele frequency attached by ClinVar (database versions not stated): ExAC 0.00002; gnomAD exomes 0.00002; TOPMed 0.00002.
gnomAD v4.1: 27 of 1,610,944 alleles (0.0017%); highest among the groups gnomAD compares: Non-Finnish European, 0.0014%; no homozygotes.

Submission:

Labcorp Genetics (formerly Invitae), Labcorp
Classification: Uncertain significance. Last evaluated: 2022-07-30. Review status: criteria provided, single submitter. Criteria: Invitae Variant Classification Sherloc (09022015). Collection method: clinical testing. Allele origin: germline.
Comment: This sequence change falls in intron 2 of the CYP11B1 gene. It does not directly change the encoded amino acid sequence of the CYP11B1 protein. It affects a nucleotide within the consensus splice site. This variant is present in population databases (rs754816754, gnomAD 0.01%). This variant has not been reported in the literature in individuals affected with CYP11B1-related conditions. Variants that disrupt the consensus splice site are a relatively common cause of aberrant splicing (PMID: 17576681, 9536098). Algorithms developed to predict the effect of sequence changes on RNA splicing suggest that this variant is not likely to affect RNA splicing. In summary, the available evidence is currently insufficient to determine the role of this variant in disease. Therefore, it has been classified as a Variant of Uncertain Significance.

Literature cited by the submitters: PubMed 17576681; PubMed 9536098.